The following is an entry in ClinVar:

ClinVar aggregate classification (germline): Likely benign. Review status: criteria provided, multiple submitters, no conflicts (2 of 4 stars). 2 submissions from 2 submitters: Likely benign (2). Last evaluated 2025-08-01.

Conditions:
Primary ciliary dyskinesia. Also called: Ciliary dyskinesia. Identifiers: Orphanet 244, MedGen C0008780, MONDO:0016575, HP:0012265.

Submissions (2):

CeGaT Center for Human Genetics Tuebingen
Classification: Likely benign. Last evaluated: 2025-08-01. Review status: criteria provided, single submitter. Criteria: CeGaT Center For Human Genetics Tuebingen Variant Classification Criteria Version 2. Collection method: clinical testing. Allele origin: germline. Affected: yes. Observed: 1 variant allele.
Comment: ODAD1: PM2:Supporting, BP4, BP7

Labcorp Genetics (formerly Invitae), Labcorp
Classification: Likely benign for Primary ciliary dyskinesia. Last evaluated: 2024-04-10. Review status: criteria provided, single submitter. Criteria: Invitae Variant Classification Sherloc (09022015). Collection method: clinical testing. Allele origin: germline.

NM_001364171.2(ODAD1):c.1995T>C (p.Gly665=)

Gene: ODAD1 (outer dynein arm docking complex subunit 1; minus strand). Cytogenetic location: 19q13.33.
Variant type: single nucleotide variant.
Coding change: c.1995T>C on transcript NM_001364171.2 (MANE Select); coding-DNA position 1995, T replaced by C.
Protein change: p.Gly665=; no amino-acid change (glycine 665 retained).
Molecular consequence: synonymous variant.
Genome position (GRCh38, 1-based): chr19:48,297,105, A>G on the plus strand (T>C on the coding strand, the complement: ODAD1 is on the minus strand). VCF-style: chr19-48297105-A-G. GRCh37 (hg19) VCF-style: chr19-48800362-A-G.
Other names: c.1884T>C, p.Gly628= (NM_144577.4).
Identifiers: ClinVar variation 3691141 (VCV003691141.10).
Genomic context (GRCh38, chr19:48,297,105, plus strand): 5'-GTGGTCTCTGCTGGACCCGAGGCCTCCGCTCGAATCAGACGCTGTGCCTCCGCTCTCCAC[A>G]CCACCCTCTGTGTTTTCTCCGCCCCTGCTGGACCCCACGTATCCAGTGGAGCCCAGGTAG-3'
Protein context (NP_001351100.1, residues 655-675): SSRGGENTEG[Gly665=]VESGGTASDS